The following is an entry in ClinVar:

ClinVar aggregate classification (germline): Uncertain significance (1 of 4 stars; one submission).

Submission:

Labcorp Genetics (formerly Invitae), Labcorp
Classification: Uncertain significance. Last evaluated: 2026-02-03. Review status: criteria provided, single submitter. Criteria: Invitae Variant Classification Sherloc (09022015). Collection method: clinical testing. Allele origin: germline.
Comment: This sequence change replaces methionine, which is neutral and non-polar, with leucine, which is neutral and non-polar, at codon 180 of the RALA protein (p.Met180Leu). This variant is present in population databases (rs747006447, gnomAD 0.003%). This variant has not been reported in the literature in individuals affected with RALA-related conditions. Invitae Evidence Modeling of protein sequence and biophysical properties (such as structural, functional, and spatial information, amino acid conservation, physicochemical variation, residue mobility, and thermodynamic stability) indicates that this missense variant is not expected to disrupt RALA protein function with a negative predictive value of 95%. In summary, the available evidence is currently insufficient to determine the role of this variant in disease. Therefore, it has been classified as a Variant of Uncertain Significance.

NM_005402.4(RALA):c.538A>T (p.Met180Leu)

Gene: RALA (RAS like proto-oncogene A; plus strand). Cytogenetic location: 7p14.1.
Variant type: single nucleotide variant.
Coding change: c.538A>T on transcript NM_005402.4 (MANE Select); coding-DNA position 538, A replaced by T.
Protein change: p.Met180Leu; replaces methionine 180 with leucine.
Molecular consequence: missense variant.
Genome position (GRCh38, 1-based): chr7:39,706,162, A>T. VCF-style: chr7-39706162-A-T. GRCh37 (hg19) VCF-style: chr7-39745761-A-T.
Other names: short protein forms M180L.
Identifiers: ClinVar variation 4802463 (VCV004802463.1).